The following is an entry in ClinVar:

NM_000138.5(FBN1):c.1468+5G>A

Gene: FBN1 (fibrillin 1; minus strand). Cytogenetic location: 15q21.1.
Variant type: single nucleotide variant.
Coding change: c.1468+5G>A on transcript NM_000138.5 (MANE Select); 5 bases into the intron after coding-DNA position 1468, G replaced by A.
Molecular consequence: intron variant.
Genome position (GRCh38, 1-based): chr15:48,515,382, C>T on the plus strand (G>A on the coding strand, the complement: FBN1 is on the minus strand). VCF-style: chr15-48515382-C-T. GRCh37 (hg19) VCF-style: chr15-48807579-C-T.
Identifiers: ClinVar variation 42284 (VCV000042284.41), dbSNP rs397515757, ClinGen allele CA012192.
Genomic context (GRCh38, chr15:48,515,382, plus strand): 5'-ACCAGTAGAGTCAAGGAACAGAATTACAACAGACCCTTGGTGCCAACCTAGGATGGATCA[C>T]GTACCAATACACTCCCCACGGAGGTCCAGCTGGAACCCTTTGTTGCACTCACACCGGTAA-3'

ClinVar aggregate classification (germline): Pathogenic/Likely pathogenic. Review status: criteria provided, multiple submitters, no conflicts (2 of 4 stars). 14 submissions from 14 submitters: Pathogenic (10); Likely pathogenic (2). 2 of the submissions do not count toward it. Last evaluated 2024-12-11.

Conditions:
Marfan Syndrome/Loeys-Dietz Syndrome/Familial Thoracic Aortic Aneurysms and Dissections. Identifiers: MedGen CN229799.
Familial thoracic aortic aneurysm and aortic dissection (TAAD). Also called: Thoracic aortic aneurysms and dissections. Identifiers: Orphanet 91387, MedGen C4707243, MONDO:0019625.
Marfan syndrome (MFS). Also called: MARFAN SYNDROME, TYPE I; Marfan syndrome type 1; Marfan's syndrome; FBN1-Related Marfan Syndrome; Marfan syndrome, classic. Identifiers: Orphanet 284963, Orphanet 558, MedGen C0024796, MONDO:0007947, OMIM 154700.
Stiff skin syndrome (SSKS). Identifiers: Orphanet 2833, MedGen C1861456, MONDO:0008492, OMIM 184900.
Acromicric dysplasia (ACMICD). Also called: Acromicric skeletal dysplasia. Identifiers: Orphanet 969, MedGen C0265287, MONDO:0007055, OMIM 102370.
Geleophysic dysplasia 2 (GPHYSD2). Identifiers: Orphanet 2623, MedGen C3280054, MONDO:0013612, OMIM 614185.
Progeroid and marfanoid aspect-lipodystrophy syndrome. Also called: MARFANOID-PROGEROID-LIPODYSTROPHY SYNDROME; MARFANOID-PROGEROID SYNDROME; MARFAN-PROGEROID-LIPODYSTROPHY SYNDROME; Marfan lipodystrophy syndrome. Identifiers: Orphanet 300382, MedGen C4310796, MONDO:0014831, OMIM 616914.
Ectopia lentis 1, isolated, autosomal dominant (ECTOL1). Identifiers: Orphanet 1885, MedGen C3541518, MONDO:0007514, OMIM 129600.
MASS syndrome (OCTD). Also called: MASS PHENOTYPE; OVERLAP CONNECTIVE TISSUE DISEASE. Identifiers: MedGen C1858556, MONDO:0011431, OMIM 604308.
Weill-Marchesani syndrome 2, dominant. Also called: Weill-Marchesani Syndrome, Autosomal Dominant; FBN1-Related Weill-Marchesani Syndrome. Identifiers: Orphanet 2084, MedGen C1869115, MONDO:0012013, OMIM 608328.
FBN1-related disorder. Also called: FBN1-related disorders.

Submissions (14):

Labcorp Genetics (formerly Invitae), Labcorp
Classification: Pathogenic for Marfan syndrome; Familial thoracic aortic aneurysm and aortic dissection. Last evaluated: 2024-12-11. Review status: criteria provided, single submitter. Criteria: Invitae Variant Classification Sherloc (09022015). Collection method: clinical testing. Allele origin: germline.
Comment: This sequence change falls in intron 12 of the FBN1 gene. It does not directly change the encoded amino acid sequence of the FBN1 protein. RNA analysis indicates that this variant induces altered splicing and may result in an absent or altered protein product. This variant is not present in population databases (gnomAD no frequency). This variant has been observed in individual(s) with Marfan syndrome (PMID: 10464652, 17627385, 17657824, 25101912, 25907466). In at least one individual the variant was observed to be de novo. This variant is also known as IVS11+5G>A. ClinVar contains an entry for this variant (Variation ID: 42284). Variants that disrupt the consensus splice site are a relatively common cause of aberrant splicing (PMID: 17576681, 9536098). Studies have shown that this variant results in creation of a new donor splice site, and produces a non-functional protein and/or introduces a premature termination codon (PMID: 21907952). For these reasons, this variant has been classified as Pathogenic.

Women's Health and Genetics/Laboratory Corporation of America, LabCorp
Classification: Pathogenic for Marfan Syndrome/Loeys-Dietz Syndrome/Familial Thoracic Aortic Aneurysms and Dissections. Last evaluated: 2023-03-13. Review status: criteria provided, single submitter. Criteria: LabCorp Variant Classification Summary - May 2015. Collection method: clinical testing. Allele origin: germline.
Comment: Variant summary: FBN1 c.1468+5G>A alters a conserved nucleotide located close to a canonical splice site and therefore could affect mRNA splicing, leading to a significantly altered protein sequence. Several computational tools predict a significant impact on normal splicing: Two predict abolishing and two predict severe weakening of the 5' splice site. RNA studies found that a cryptic donor site in exon 11 became activated, resulting in loss of critical region (Ogawa_2011). The variant was absent in 251358 control chromosomes. c.1468+5G>A has been reported in the literature in multiple individuals affected with Marfan Syndrome (Example: Baetens_2011, Liu_1997, Hogwarth_2007, Ogawa_2011, Comeglio_2007 etc.). These data indicate that the variant is very likely to be associated with disease. Eleven clinical diagnostic laboratories have submitted clinical-significance assessments for this variant to ClinVar after 2014 without evidence for independent evaluation. All laboratories classified the variant as pathogenic (n=9) and likely pathogenic (n=2). Based on the evidence outlined above, the variant was classified as pathogenic.

GeneDx
Classification: Pathogenic. Last evaluated: 2022-01-24. Review status: criteria provided, single submitter. Criteria: GeneDx Variant Classification Process June 2021. Collection method: clinical testing. Allele origin: germline. Affected: yes.
Comment: Canonical splice site variant expected to result in aberrant splicing, although in the absence of functional evidence the actual effect of this sequence change is unknown.; Published functional studies demonstrate that c.1468+5 G>A destroys the natural splice donor site and results in abnormal splicing (Ogawa et al., 2011); This variant is associated with the following publications: (PMID: 29543232, 31730815, 25525159, 17657824, 19949477, 19339519, 25907466, 24161884, 21542060, 17627385, 11702223, 27085269, 11933199, 33726816, 10464652, 25101912, 21907952, 34498425)

Centre of Medical Genetics, University of Antwerp
Classification: Likely pathogenic for Marfan syndrome. Last evaluated: 2021-03-01. Review status: criteria provided, single submitter. Criteria: Submitter's publication. Collection method: research. Allele origin: unknown. Affected: yes. Observed: 2 variant alleles.
Comment: PM2, PS1, PP4

Ambry Genetics
Classification: Pathogenic for Familial thoracic aortic aneurysm and aortic dissection. Last evaluated: 2020-12-07. Review status: criteria provided, single submitter. Criteria: Ambry Variant Classification Scheme 2023. Collection method: clinical testing. Allele origin: germline.
Comment: The c.1468+5G>A intronic pathogenic mutation (also known as c.IVS11+5G>A) results from a G to A substitution 5 nucleotides after coding exon 11 in the FBN1 gene. This mutation has been detected in individuals with classical Marfan syndrome and in individuals with Marfan-related features, including isolated ectopia lentis, thoracic aortic aneurysm and dissections, and/or skeletal findings (Liu WO et al. Genet Test. 1997-1998;1:237-42; Comeglio P et al. Hum Mutat. 2007;28:928; Aalberts JJ et al. Gene, 2014 Jan;534:40-3; Weerakkody R et al. Genet Med, 2018 11;20:1414-1422; Mannucci L et al. Clin Chim Acta, 2020 Feb;501:154-164). RNA studies found that a cryptic splice donor site within exon 11 can become activated in the presence of this alteration, which leads to loss of a critical region of the protein (Ogawa N et al. Am J Cardiol. 2011;108:1801-7). This variant was not reported in population-based cohorts in the Genome Aggregation Database (gnomAD). In silico splice site analysis predicts that this alteration may weaken the native splice donor site and will result in the creation or strengthening of a novel splice donor site. Based on the supporting evidence, this alteration is interpreted as a disease-causing mutation.

Clinical Molecular Genetics Laboratory, Johns Hopkins All Children's Hospital
Classification: Pathogenic for Marfan syndrome. Last evaluated: 2018-12-13. Review status: criteria provided, single submitter. Criteria: ACMG Guidelines, 2015. Collection method: clinical testing. Allele origin: germline. Inheritance: Autosomal dominant inheritance. Affected: yes. Observed: 1 heterozygote.

Blueprint Genetics
Classification: Pathogenic for FBN1-related disorders. Last evaluated: 2017-10-05. Review status: criteria provided, single submitter. Criteria: ACMG Guidelines, 2015. Collection method: clinical testing. Allele origin: germline. Affected: yes. Observed: 1 variant allele.

Fulgent Genetics
Classification: Pathogenic for Acromicric dysplasia; Ectopia lentis 1, isolated, autosomal dominant; Marfan syndrome; Stiff skin syndrome; MASS syndrome; Weill-Marchesani syndrome 2, dominant; Geleophysic dysplasia 2; Progeroid and marfanoid aspect-lipodystrophy syndrome. Last evaluated: 2017-05-18. Review status: criteria provided, single submitter. Criteria: ACMG Guidelines, 2015. Collection method: clinical testing. Allele origin: unknown.

CHEO Genetics Diagnostic Laboratory, Children's Hospital of Eastern Ontario
Classification: Pathogenic for Familial thoracic aortic aneurysm and aortic dissection. Last evaluated: 2017-04-11. Review status: criteria provided, single submitter. Criteria: ACMG Guidelines, 2015. Collection method: clinical testing. Allele origin: germline. Study: Canadian Open Genetics Repository.

Laboratory for Molecular Medicine, Mass General Brigham Personalized Medicine
Classification: Pathogenic for Marfan syndrome. Last evaluated: 2017-02-23. Review status: criteria provided, single submitter. Criteria: LMM Criteria. Collection method: clinical testing. Allele origin: germline. Inheritance: Autosomal dominant inheritance. Observed: 8 variant alleles.
Comment: The c.1468+5G>A variant in FBN1 has been reported in 9 individuals with clinical features of Marfan syndrome (Aalberts 2014, Baetens 2011, Comeglio 2007, Liu 19 97-1998, LMM data). It has not been identified in large population studies. In a ddition, this variant has segregated with disease in 5 affected individuals from one family tested by our laboratory. The c.1468+5G>A variant is located in the 5' splice region and RNA studies have revealed this splice site variant leads to abnormal splicing and exon skipping in FBN1 (Aalberts 2014, Ogawa 2011, Liu 199 7-1998), resulting in an abnormal or absent protein. Heterozygous loss of functi on of the FBN1 gene is an established disease mechanism in Marfan syndrome. In summary, this variant meets criteria to be classified as pathogenic for autosoma l dominant Marfan syndrome based on its recurrence in multiple affected individu als, segregation in families, extremely low allele frequency in the general popu lation, and functional impact on splicing.

Center for Human Genetics, Inc
Classification: Likely pathogenic for Marfan syndrome. Last evaluated: 2016-11-01. Review status: criteria provided, single submitter. Criteria: ACMG Guidelines, 2015. Collection method: clinical testing. Allele origin: germline. Affected: yes.

Juno Genomics, Hangzhou Juno Genomics, Inc
Classification: Pathogenic for Acromicric dysplasia; Ectopia lentis 1, isolated, autosomal dominant; Geleophysic dysplasia 2; Progeroid and marfanoid aspect-lipodystrophy syndrome; Marfan syndrome; MASS syndrome; Stiff skin syndrome; Weill-Marchesani syndrome 2, dominant. Review status: criteria provided, single submitter. Criteria: ACMG Guidelines, 2015. Collection method: clinical testing. Allele origin: germline. Affected: yes.
Comment: Absent from controls (or at extremely low frequency if recessive) in Genome Aggregation Database.;Null variant in a gene where loss of function (LOF) is a known mechanism of disease.;The prevalence of the variant in affected individuals is significantly increased compared to the prevalence in controls.;Assumed de novo, but without confirmation of paternity and maternity.;Patient's phenotype or family history is highly specific for a disease with a single genetic etiology.

Center for Medical Genetics Ghent, University of Ghent
Classification: Pathogenic for Marfan syndrome. Last evaluated: 2017-11-07. Review status: no assertion criteria provided. Collection method: clinical testing. Allele origin: germline. Affected: yes. Not counted in ClinVar's aggregate classification.

Centre for Genomic and Experimental Medicine, University of Edinburgh
Classification: Likely pathogenic for Familial thoracic aortic aneurysm and aortic dissection. Review status: no assertion criteria provided. Collection method: research. Allele origin: unknown. Affected: yes. Not counted in ClinVar's aggregate classification.

Literature cited by the submitters: PubMed 10464652 (cited by 4 submitters); PubMed 17627385 (cited by Labcorp Genetics (formerly Invitae), Labcorp and Women's Health and Genetics/Laboratory Corporation of America, LabCorp); PubMed 17657824 (cited by 4 submitters); PubMed 25101912 (cited by Labcorp Genetics (formerly Invitae), Labcorp); PubMed 25907466 (cited by Labcorp Genetics (formerly Invitae), Labcorp); PubMed 17576681 (cited by Labcorp Genetics (formerly Invitae), Labcorp); PubMed 9536098 (cited by Labcorp Genetics (formerly Invitae), Labcorp); PubMed 21907952 (cited by 4 submitters); PubMed 11702223 (cited by Women's Health and Genetics/Laboratory Corporation of America, LabCorp); PubMed 11933199 (cited by Women's Health and Genetics/Laboratory Corporation of America, LabCorp); PubMed 21542060 (cited by Women's Health and Genetics/Laboratory Corporation of America, LabCorp and Laboratory for Molecular Medicine, Mass General Brigham Personalized Medicine); PubMed 24161884 (cited by 3 submitters); PubMed 29543232 (cited by Ambry Genetics); PubMed 31730815 (cited by Ambry Genetics).